The following is an entry in ClinVar:

NM_005996.4(TBX3):c.1364G>A (p.Gly455Asp)

Gene: TBX3 (T-box transcription factor 3; minus strand). Cytogenetic location: 12q24.21.
Variant type: single nucleotide variant.
Coding change: c.1364G>A on transcript NM_005996.4 (MANE Select); coding-DNA position 1364, G replaced by A.
Protein change: p.Gly455Asp; replaces glycine 455 with aspartic acid.
Molecular consequence: missense variant.
Genome position (GRCh38, 1-based): chr12:114,674,511, C>T on the plus strand (G>A on the coding strand, the complement: TBX3 is on the minus strand). VCF-style: chr12-114674511-C-T. GRCh37 (hg19) VCF-style: chr12-115112316-C-T.
Other names: c.1424G>A, p.Gly475Asp (NM_016569.4); short protein forms G455D, G475D.
Identifiers: ClinVar variation 2631863 (VCV002631863.2), dbSNP rs1192814694, ClinGen allele CA386869089.

ClinVar aggregate classification (germline): Uncertain significance (0 of 4 stars; one submission).

Conditions:
TBX3-related disorder. Also called: TBX3-related condition.

Allele frequency attached by ClinVar (database versions not stated): TOPMed 0.00004.
gnomAD v4.1: 3 of 1,510,988 alleles (0.0002%); highest among the groups gnomAD compares: Admixed American, 0.0045%; no homozygotes.

Submission:

PreventionGenetics, part of Exact Sciences
Classification: Uncertain significance for TBX3-related condition. Last evaluated: 2024-03-29. Review status: no assertion criteria provided. Collection method: clinical testing. Allele origin: germline.
Comment: The TBX3 c.1424G>A variant is predicted to result in the amino acid substitution p.Gly475Asp. To our knowledge, this variant has not been reported in the literature. This variant is reported in 0.0055% of alleles in individuals of Latino descent in gnomAD. At this time, the clinical significance of this variant is uncertain due to the absence of conclusive functional and genetic evidence.